The following is an entry in ClinVar:

ClinVar aggregate classification (germline): Uncertain significance (1 of 4 stars; one submission).

Submission:

Labcorp Genetics (formerly Invitae), Labcorp
Classification: Uncertain significance. Last evaluated: 2025-06-16. Review status: criteria provided, single submitter. Criteria: Invitae Variant Classification Sherloc (09022015). Collection method: clinical testing. Allele origin: germline.
Comment: This sequence change replaces arginine, which is basic and polar, with glycine, which is neutral and non-polar, at codon 178 of the RHOBTB2 protein (p.Arg178Gly). This variant is not present in population databases (gnomAD no frequency). This variant has not been reported in the literature in individuals affected with RHOBTB2-related conditions. Invitae Evidence Modeling of protein sequence and biophysical properties (such as structural, functional, and spatial information, amino acid conservation, physicochemical variation, residue mobility, and thermodynamic stability) has been performed for this missense variant. However, the output from this modeling did not meet the statistical confidence thresholds required to predict the impact of this variant on RHOBTB2 protein function. In summary, the available evidence is currently insufficient to determine the role of this variant in disease. Therefore, it has been classified as a Variant of Uncertain Significance.

NM_015178.3(RHOBTB2):c.466A>G (p.Arg156Gly)

Gene: RHOBTB2 (Rho related BTB domain containing 2; plus strand). Cytogenetic location: 8p21.3.
Variant type: single nucleotide variant.
Coding change: c.466A>G on transcript NM_015178.3 (MANE Select); coding-DNA position 466, A replaced by G.
Protein change: p.Arg156Gly; replaces arginine 156 with glycine.
Molecular consequence: missense variant.
Genome position (GRCh38, 1-based): chr8:23,006,129, A>G. VCF-style: chr8-23006129-A-G. GRCh37 (hg19) VCF-style: chr8-22863642-A-G.
Other names: c.532A>G, p.Arg178Gly (NM_001160036.2); c.487A>G, p.Arg163Gly (NM_001160037.2); c.466A>G, p.Arg156Gly (NM_001374791.1); short protein forms R156G, R163G, R178G.
Identifiers: ClinVar variation 4745234 (VCV004745234.1).